The following is an entry in ClinVar:

NM_032119.4(ADGRV1):c.7066del (p.Gln2356fs)

Gene: ADGRV1 (adhesion G protein-coupled receptor V1; plus strand). Cytogenetic location: 5q14.3.
Variant type: Deletion.
Coding change: c.7066del on transcript NM_032119.4 (MANE Select); coding-DNA position 7066, one base deleted (C; older notation c.7066delC).
Protein change: p.Gln2356fs; shifts the reading frame from glutamine 2356.
Molecular consequence: frameshift variant. On other transcripts: non-coding transcript variant (1).
Genome position (GRCh38, 1-based): chr5:90,692,719, C deleted. VCF-style (leftmost placement, unchanged base first): chr5-90692718-TC-T. GRCh37 (hg19) VCF-style: chr5-89988535-TC-T.
Other names: short protein forms Q2356fs.
Identifiers: ClinVar variation 2709456 (VCV002709456.3), dbSNP rs2530929818, ClinGen allele CA2697546299.

ClinVar aggregate classification (germline): Pathogenic (1 of 4 stars; one submission).

Submission:

Labcorp Genetics (formerly Invitae), Labcorp
Classification: Pathogenic. Last evaluated: 2024-01-15. Review status: criteria provided, single submitter. Criteria: Invitae Variant Classification Sherloc (09022015). Collection method: clinical testing. Allele origin: germline.
Comment: This sequence change creates a premature translational stop signal (p.Gln2356Argfs*18) in the ADGRV1 gene. It is expected to result in an absent or disrupted protein product. Loss-of-function variants in ADGRV1 are known to be pathogenic (PMID: 19357117, 22135276, 22147658, 26226137, 30718709, 31047384, 32467589). This variant is not present in population databases (gnomAD no frequency). This variant has not been reported in the literature in individuals affected with ADGRV1-related conditions. Algorithms developed to predict the effect of sequence changes on RNA splicing suggest that this variant may disrupt the consensus splice site. For these reasons, this variant has been classified as Pathogenic.

Literature cited by the submitters: PubMed 19357117; PubMed 22135276; PubMed 22147658; PubMed 26226137; PubMed 30718709; PubMed 31047384; PubMed 32467589.